The following is an entry in ClinVar:

NM_001605.3(AARS1):c.2274C>T (p.Ala758=)

Gene: AARS1 (alanyl-tRNA synthetase 1; minus strand). Cytogenetic location: 16q22.1.
Variant type: single nucleotide variant.
Coding change: c.2274C>T on transcript NM_001605.3 (MANE Select); coding-DNA position 2274, C replaced by T.
Protein change: p.Ala758=; no amino-acid change (alanine 758 retained).
Molecular consequence: synonymous variant.
Genome position (GRCh38, 1-based): chr16:70,255,740, G>A on the plus strand (C>T on the coding strand, the complement: AARS1 is on the minus strand). VCF-style: chr16-70255740-G-A. GRCh37 (hg19) VCF-style: chr16-70289643-G-A.
Identifiers: ClinVar variation 1682147 (VCV001682147.28), dbSNP rs143430116, ClinGen allele CA8140499.

ClinVar aggregate classification (germline): Likely benign. Review status: criteria provided, multiple submitters, no conflicts (2 of 4 stars). 2 submissions from 2 submitters: Likely benign (2). Last evaluated 2025-12-15.

Conditions:
Charcot-Marie-Tooth disease type 2. Also called: Charcot-Marie-Tooth type 2. Identifiers: Orphanet 64746, MedGen C0270914, MONDO:0018993.

Allele frequency attached by ClinVar (database versions not stated): 1000 Genomes Project 30x 0.00016; 1000 Genomes Project 0.00020.
gnomAD v4.1: 13 of 1,614,064 alleles (0.00081%); highest among the groups gnomAD compares: Admixed American, 0.01%; no homozygotes.

Submissions (2):

Labcorp Genetics (formerly Invitae), Labcorp
Classification: Likely benign for Charcot-Marie-Tooth disease type 2. Last evaluated: 2025-12-15. Review status: criteria provided, single submitter. Criteria: Invitae Variant Classification Sherloc (09022015). Collection method: clinical testing. Allele origin: germline.

CeGaT Center for Human Genetics Tuebingen
Classification: Likely benign. Last evaluated: 2024-04-01. Review status: criteria provided, single submitter. Criteria: CeGaT Center For Human Genetics Tuebingen Variant Classification Criteria Version 2. Collection method: clinical testing. Allele origin: germline. Affected: yes. Observed: 1 variant allele.
Comment: AARS1: BP4, BP7